The following is an entry in ClinVar:

ClinVar aggregate classification (germline): Likely benign (1 of 4 stars; one submission).

Allele frequency attached by ClinVar (database versions not stated): gnomAD 0.00051; ESP Exome Variant Server 0.00062; TOPMed 0.00066; gnomAD exomes 0.00089; ExAC 0.00060.
gnomAD v4.1: 1,357 of 1,612,630 alleles (0.084%); highest among the groups gnomAD compares: Non-Finnish European, 0.11%; no homozygotes.

Submission:

CeGaT Center for Human Genetics Tuebingen
Classification: Likely benign. Last evaluated: 2024-05-01. Review status: criteria provided, single submitter. Criteria: CeGaT Center For Human Genetics Tuebingen Variant Classification Criteria Version 2. Collection method: clinical testing. Allele origin: germline. Affected: yes. Observed: 1 variant allele.
Comment: MNS1: BP4, BP7

NM_018365.4(MNS1):c.759T>G (p.Ala253=)

Genes: MNS1 (meiosis specific nuclear structural 1; minus strand), TEX9 (testis expressed 9; plus strand). Cytogenetic location: 15q21.3.
Variant type: single nucleotide variant.
Coding change: c.759T>G on transcript NM_018365.4 (MANE Select); coding-DNA position 759, T replaced by G.
Protein change: p.Ala253=; no amino-acid change (alanine 253 retained).
Molecular consequence: synonymous variant. On other transcripts: intron variant (2).
Genome position (GRCh38, 1-based): chr15:56,443,782, A>C on the plus strand (T>G on the coding strand, the complement: MNS1 is on the minus strand). VCF-style: chr15-56443782-A-C. GRCh37 (hg19) VCF-style: chr15-56735980-A-C.
Other names: c.*30-1889A>C (NM_001286449.2, NM_198524.3).
Identifiers: ClinVar variation 3239105 (VCV003239105.18), dbSNP rs147361221.